The following is an entry in ClinVar:

ClinVar aggregate classification (germline): Uncertain significance. Review status: criteria provided, multiple submitters, no conflicts (2 of 4 stars). 2 submissions from 2 submitters: Uncertain significance (2). Last evaluated 2022-07-02.

Conditions:
Glycogen storage disease, type II (IOPD). Also called: GLYCOGENOSIS, GENERALIZED, CARDIAC FORM; GSD II; Glycogen storage disease type 2; Acid maltase deficiency disease; Aglucosidase alfa; Deficiency of alpha-glucosidase. Identifiers: Orphanet 365, MedGen C0017921, MONDO:0009290, OMIM 232300.

Allele frequency attached by ClinVar (database versions not stated): gnomAD exomes below 0.00001; gnomAD 0.00001.
gnomAD v4.1: 2 of 1,611,176 alleles (0.00012%); highest among the groups gnomAD compares: Admixed American, 0.0033%; no homozygotes.

Submissions (2):

Labcorp Genetics (formerly Invitae), Labcorp
Classification: Uncertain significance for Glycogen storage disease, type II. Last evaluated: 2022-07-02. Review status: criteria provided, single submitter. Criteria: Invitae Variant Classification Sherloc (09022015). Collection method: clinical testing. Allele origin: germline.
Comment: This sequence change replaces valine, which is neutral and non-polar, with phenylalanine, which is neutral and non-polar, at codon 200 of the GAA protein (p.Val200Phe). In summary, the available evidence is currently insufficient to determine the role of this variant in disease. Therefore, it has been classified as a Variant of Uncertain Significance. Advanced modeling of protein sequence and biophysical properties (such as structural, functional, and spatial information, amino acid conservation, physicochemical variation, residue mobility, and thermodynamic stability) performed at Invitae indicates that this missense variant is not expected to disrupt GAA protein function. This variant has not been reported in the literature in individuals affected with GAA-related conditions. The frequency data for this variant in the population databases is considered unreliable, as metrics indicate poor data quality at this position in the gnomAD database.

Revvity Omics, Revvity
Classification: Uncertain significance. Last evaluated: 2021-02-24. Review status: criteria provided, single submitter. Criteria: ACMG Guidelines, 2015. Collection method: clinical testing. Allele origin: germline.

NM_000152.5(GAA):c.598G>T (p.Val200Phe)

Gene: GAA (alpha glucosidase; plus strand). Cytogenetic location: 17q25.3.
Variant type: single nucleotide variant.
Coding change: c.598G>T on transcript NM_000152.5 (MANE Select); coding-DNA position 598, G replaced by T.
Protein change: p.Val200Phe; replaces valine 200 with phenylalanine.
Molecular consequence: missense variant.
Genome position (GRCh38, 1-based): chr17:80,105,800, G>T. VCF-style: chr17-80105800-G-T. GRCh37 (hg19) VCF-style: chr17-78079599-G-T.
Other names: c.598G>T, p.Val200Phe (NM_001079803.3, NM_001079804.3, NM_001406741.1 and 1 more transcripts); short protein forms V200F.
Identifiers: ClinVar variation 2159847 (VCV002159847.7), dbSNP rs1370160746, ClinGen allele CA401362236.